The following is an entry in ClinVar:

NM_000222.3(KIT):c.733A>G (p.Thr245Ala)

Gene: KIT (KIT proto-oncogene, receptor tyrosine kinase; plus strand). Cytogenetic location: 4q12.
Variant type: single nucleotide variant.
Coding change: c.733A>G on transcript NM_000222.3 (MANE Select); coding-DNA position 733, A replaced by G.
Protein change: p.Thr245Ala; replaces threonine 245 with alanine.
Molecular consequence: missense variant.
Genome position (GRCh38, 1-based): chr4:54,699,743, A>G. VCF-style: chr4-54699743-A-G. GRCh37 (hg19) VCF-style: chr4-55565909-A-G.
Other names: c.733A>G, p.Thr245Ala (NM_001093772.2, NM_001385284.1, NM_001385285.1 and 4 more transcripts); short protein forms T245A.
Identifiers: ClinVar variation 237281 (VCV000237281.10), dbSNP rs754400702, ClinGen allele CA2923299.
Genomic context (GRCh38, chr4:54,699,743, plus strand): 5'-GAAGGGGAAGAATTCACAGTGACGTGCACAATAAAAGATGTGTCTAGTTCTGTGTACTCA[A>G]CGTGGAAAAGAGAAAACAGTCAGGTGAGTGAATCGCTTCATTCTTCTCATGTTCTGTCTC-3'
Protein context (NP_000213.1, residues 235-255): IKDVSSSVYS[Thr245Ala]WKRENSQTKL

ClinVar aggregate classification (germline): Conflicting classifications of pathogenicity. Review status: criteria provided, conflicting classifications (1 of 4 stars). 2 submissions from 2 submitters: Uncertain significance (1); Likely benign (1). Last evaluated 2024-07-31.

Conditions:
Hereditary cancer-predisposing syndrome. Also called: Neoplastic Syndromes, Hereditary; Hereditary neoplastic syndrome; Hereditary Cancer Syndrome; Tumor predisposition. Identifiers: Orphanet 140162, MedGen C0027672, MeSH D009386, MONDO:0015356.
Gastrointestinal stromal tumor. Also called: Gastrointestinal stromal tumor, somatic; Gastrointestinal stroma tumor. Identifiers: Orphanet 44890, MedGen C0238198, MeSH D046152, MONDO:0011719, OMIM 606764, HP:0100723.

Allele frequency attached by ClinVar (database versions not stated): gnomAD exomes below 0.00001 and 0.00001; ExAC 0.00001; gnomAD 0.00001; TOPMed 0.00001.
gnomAD v4.1: 3 of 1,613,824 alleles (0.00019%); highest among the groups gnomAD compares: African/African-American, 0.0027%; no homozygotes.

Submissions (2):

Labcorp Genetics (formerly Invitae), Labcorp
Classification: Uncertain significance for Gastrointestinal stromal tumor. Last evaluated: 2024-07-31. Review status: criteria provided, single submitter. Criteria: Invitae Variant Classification Sherloc (09022015). Collection method: clinical testing. Allele origin: germline.
Comment: This sequence change replaces threonine, which is neutral and polar, with alanine, which is neutral and non-polar, at codon 245 of the KIT protein (p.Thr245Ala). This variant is present in population databases (rs754400702, gnomAD 0.006%). This variant has not been reported in the literature in individuals affected with KIT-related conditions. ClinVar contains an entry for this variant (Variation ID: 237281). An algorithm developed to predict the effect of missense changes on protein structure and function outputs the following: PolyPhen-2: "Benign". The alanine amino acid residue is found in multiple mammalian species, which suggests that this missense change does not adversely affect protein function. In summary, the available evidence is currently insufficient to determine the role of this variant in disease. Therefore, it has been classified as a Variant of Uncertain Significance.

Ambry Genetics
Classification: Likely benign for Hereditary cancer-predisposing syndrome. Last evaluated: 2024-03-26. Review status: criteria provided, single submitter. Criteria: Ambry Variant Classification Scheme 2023. Collection method: clinical testing. Allele origin: germline.